The following is an entry in ClinVar:

NM_006947.4(SRP72):c.-10C>T

Genes: SRP72 (signal recognition particle 72; plus strand), LOC129992625 (ATAC-STARR-seq lymphoblastoid active region 21580; plus strand). Cytogenetic location: 4q12.
Variant type: single nucleotide variant.
Coding change: c.-10C>T on transcript NM_006947.4 (MANE Select); 10 bases upstream of the start codon, C replaced by T.
Molecular consequence: 5 prime UTR variant. On other transcripts: non-coding transcript variant (1).
Genome position (GRCh38, 1-based): chr4:56,467,626, C>T. VCF-style: chr4-56467626-C-T. GRCh37 (hg19) VCF-style: chr4-57333792-C-T.
Other names: c.-10C>T (NM_001267722.2, NM_006947.3).
Identifiers: ClinVar variation 1803128 (VCV001803128.3), dbSNP rs377395395, ClinGen allele CA2930911.

ClinVar aggregate classification (germline): Uncertain significance. Review status: criteria provided, single submitter (1 of 4 stars). 2 submissions from 2 submitters: Uncertain significance (1). 1 of the submissions does not count toward it. Last evaluated 2020-08-03.

Conditions:
SRP72-related disorder. Also called: SRP72-related condition.
Autosomal dominant aplasia and myelodysplasia. Also called: Bone marrow failure syndrome 1. Identifiers: Orphanet 314399, MedGen C3808553, MONDO:0013851, OMIM 614675.

Allele frequency attached by ClinVar (database versions not stated): gnomAD 0.00001; ExAC 0.00003; TOPMed 0.00003; gnomAD exomes 0.00005; ESP Exome Variant Server 0.00008.

Submissions (2):

Genetics and Molecular Pathology, SA Pathology
Classification: Uncertain significance for Autosomal dominant aplasia and myelodysplasia. Last evaluated: 2020-08-03. Review status: criteria provided, single submitter. Criteria: ACMG Guidelines, 2015. Collection method: clinical testing. Allele origin: germline. Inheritance: Autosomal dominant inheritance. Affected: yes.
Comment: The SRP72 c.-10C>T variant is classified as VUS (PM2)

PreventionGenetics, part of Exact Sciences
Classification: Likely benign for SRP72-related condition. Last evaluated: 2019-04-04. Review status: no assertion criteria provided. Collection method: clinical testing. Allele origin: germline. Not counted in ClinVar's aggregate classification.
Comment: This variant is classified as likely benign based on ACMG/AMP sequence variant interpretation guidelines (Richards et al. 2015 PMID: 25741868, with internal and published modifications).